The following is an entry in ClinVar:

ClinVar aggregate classification (germline): Likely pathogenic (1 of 4 stars; one submission).

Conditions:
Cardiovascular phenotype. Identifiers: MedGen CN230736.

Submission:

Molecular Diagnostic Laboratory for Inherited Cardiovascular Disease, Montreal Heart Institute
Classification: Likely pathogenic for Cardiovascular phenotype. Last evaluated: 2024-09-18. Review status: criteria provided, single submitter. Criteria: ACMG Guidelines, 2015. Collection method: clinical testing. Allele origin: germline. Affected: yes.
Comment: PM1, PM2, PP2, PP3

NM_000363.5(TNNI3):c.414G>C (p.Lys138Asn)

Gene: TNNI3 (troponin I3, cardiac type; minus strand). Cytogenetic location: 19q13.42.
Variant type: single nucleotide variant.
Coding change: c.414G>C on transcript NM_000363.5 (MANE Select); coding-DNA position 414, G replaced by C.
Protein change: p.Lys138Asn; replaces lysine 138 with asparagine.
Molecular consequence: missense variant.
Genome position (GRCh38, 1-based): chr19:55,154,165, C>G on the plus strand (G>C on the coding strand, the complement: TNNI3 is on the minus strand). VCF-style: chr19-55154165-C-G. GRCh37 (hg19) VCF-style: chr19-55665533-C-G.
Other names: short protein forms K138N.
Identifiers: ClinVar variation 3895298 (VCV003895298.1).